The following is an entry in ClinVar:

ClinVar aggregate classification (germline): Conflicting classifications of pathogenicity. Review status: criteria provided, conflicting classifications (1 of 4 stars). 3 submissions from 3 submitters: Uncertain significance (2); Likely benign (1). Last evaluated 2024-11-23.

Conditions:
Retinal dystrophy. Also called: Inherited retinal dystrophy. Identifiers: Orphanet 71862, MedGen C0854723, MeSH D058499, MONDO:0019118, HP:0000556.
Leber congenital amaurosis 6 (LCA6). Identifiers: Orphanet 65, MedGen C1854260, MONDO:0013446, OMIM 613826.
Cone-rod dystrophy 13 (CORD13). Identifiers: Orphanet 1872, MedGen C2750720, MONDO:0011987, OMIM 608194.

Allele frequency attached by ClinVar (database versions not stated): TOPMed 0.00006; gnomAD 0.00007 and 0.00008; ESP Exome Variant Server 0.00008; ExAC 0.00010.
gnomAD v4.1: 114 of 1,597,512 alleles (0.0071%); highest among the groups gnomAD compares: South Asian, 0.03%; no homozygotes.

Submissions (3):

Blueprint Genetics
Classification: Likely benign. Last evaluated: 2024-11-23. Review status: criteria provided, single submitter. Criteria: ACMG Guidelines, 2015. Collection method: clinical testing. Allele origin: germline.

Labcorp Genetics (formerly Invitae), Labcorp
Classification: Uncertain significance for Leber congenital amaurosis 6; Cone-rod dystrophy 13. Last evaluated: 2024-01-02. Review status: criteria provided, single submitter. Criteria: Invitae Variant Classification Sherloc (09022015). Collection method: clinical testing. Allele origin: germline.
Comment: This sequence change replaces arginine, which is basic and polar, with glutamine, which is neutral and polar, at codon 890 of the RPGRIP1 protein (p.Arg890Gln). This variant is present in population databases (rs374913550, gnomAD 0.02%). This variant has not been reported in the literature in individuals affected with RPGRIP1-related conditions. ClinVar contains an entry for this variant (Variation ID: 946193). Advanced modeling of protein sequence and biophysical properties (such as structural, functional, and spatial information, amino acid conservation, physicochemical variation, residue mobility, and thermodynamic stability) performed at Invitae indicates that this missense variant is not expected to disrupt RPGRIP1 protein function with a negative predictive value of 80%. In summary, the available evidence is currently insufficient to determine the role of this variant in disease. Therefore, it has been classified as a Variant of Uncertain Significance.

Institute of Human Genetics, Univ. Regensburg, Univ. Regensburg
Classification: Uncertain significance for Retinal dystrophy. Last evaluated: 2023-01-01. Review status: criteria provided, single submitter. Criteria: ACMG Guidelines, 2015. Collection method: clinical testing. Allele origin: germline. Affected: yes.

Literature cited by the submitters: PubMed 31555371 (cited by Institute of Human Genetics, Univ. Regensburg, Univ. Regensburg); PubMed 3442652 (cited by Institute of Human Genetics, Univ. Regensburg, Univ. Regensburg).

NM_020366.4(RPGRIP1):c.2669G>A (p.Arg890Gln)

Gene: RPGRIP1 (RPGR interacting protein 1; plus strand). Cytogenetic location: 14q11.2.
Variant type: single nucleotide variant.
Coding change: c.2669G>A on transcript NM_020366.4 (MANE Select); coding-DNA position 2669, G replaced by A.
Protein change: p.Arg890Gln; replaces arginine 890 with glutamine.
Molecular consequence: missense variant. On other transcripts: intron variant (4).
Genome position (GRCh38, 1-based): chr14:21,326,132, G>A. VCF-style: chr14-21326132-G-A. GRCh37 (hg19) VCF-style: chr14-21794291-G-A.
Other names: c.1595G>A, p.Arg532Gln (NM_001377948.1); c.796+1407G>A (NM_001377949.1); c.689-1491G>A (NM_001377523.1, NM_001377950.1); c.191-1491G>A (NM_001377951.1); short protein forms R890Q, R532Q.
Identifiers: ClinVar variation 946193 (VCV000946193.6), dbSNP rs374913550, ClinGen allele CA7089318.